The following is an entry in ClinVar:

ClinVar aggregate classification (germline): Conflicting classifications of pathogenicity. Review status: criteria provided, conflicting classifications (1 of 4 stars). 2 submissions from 2 submitters: Likely pathogenic (1); Uncertain significance (1). Last evaluated 2026-08-13.

Conditions:
Maple syrup urine disease type 1A (MSUD1A). Also called: MSUD type 1A. Identifiers: MedGen C1855369, MONDO:0023691, OMIM 248600.
Maple syrup urine disease (MSUD). Identifiers: Orphanet 511, MedGen C0024776, MeSH D008375, MONDO:0009563. Disease mechanism: loss of function.

Allele frequency attached by ClinVar (database versions not stated): gnomAD exomes 0.00001.
gnomAD v4.1: 3 of 1,614,132 alleles (0.00019%); highest among the groups gnomAD compares: Admixed American, 0.005%; no homozygotes.

Submissions (2):

Myriad Genetics, Inc.
Classification: Likely pathogenic for Maple syrup urine disease type 1A. Last evaluated: 2026-08-13. Review status: criteria provided, single submitter. Criteria: Myriad Autosomal Dominant, Autosomal Recessive and X-Linked Classification Criteria (2023). Collection method: clinical testing. Allele origin: unknown.
Comment: NM_000709.3(BCKDHA):c.109-15T>A is an intronic variant classified as likely pathogenic in the context of maple syrup urine disease type Ia. c.109-15T>A has been observed in a case with relevant disease (PMID: 41737903). Relevant functional assessments of this variant are available in the literature (PMID: 41737903). c.109-15T>A has been observed in referenced population frequency databases. In summary, NM_000709.3(BCKDHA):c.109-15T>A is an intronic variant that has functional support for pathogenicity and has been observed more frequently in cases with the relevant disease than in healthy populations. Please note: this variant was assessed in the context of healthy population screening.

Labcorp Genetics (formerly Invitae), Labcorp
Classification: Uncertain significance for Maple syrup urine disease. Last evaluated: 2022-07-01. Review status: criteria provided, single submitter. Criteria: Invitae Variant Classification Sherloc (09022015). Collection method: clinical testing. Allele origin: germline.
Comment: This sequence change falls in intron 1 of the BCKDHA gene. It does not directly change the encoded amino acid sequence of the BCKDHA protein. This variant is present in population databases (no rsID available, gnomAD 0.003%). This variant has not been reported in the literature in individuals affected with BCKDHA-related conditions. Algorithms developed to predict the effect of sequence changes on RNA splicing suggest that this variant may disrupt the consensus splice site. In summary, the available evidence is currently insufficient to determine the role of this variant in disease. Therefore, it has been classified as a Variant of Uncertain Significance.

Literature cited by the submitters: PubMed 41737903 (cited by Myriad Genetics, Inc.).

NM_000709.4(BCKDHA):c.109-15T>A

Gene: BCKDHA (branched chain keto acid dehydrogenase E1 subunit alpha; plus strand). Cytogenetic location: 19q13.2.
Variant type: single nucleotide variant.
Coding change: c.109-15T>A on transcript NM_000709.4 (MANE Select); 15 bases into the intron before coding-DNA position 109, T replaced by A.
Molecular consequence: intron variant.
Genome position (GRCh38, 1-based): chr19:41,410,622, T>A. VCF-style: chr19-41410622-T-A. GRCh37 (hg19) VCF-style: chr19-41916527-T-A.
Other names: c.109-15T>A (NM_001164783.2).
Identifiers: ClinVar variation 2140915 (VCV002140915.2), dbSNP rs1212182432, ClinGen allele CA633470446.